The following is an entry in ClinVar:

NM_017514.5(PLXNA3):c.4420G>A (p.Asp1474Asn)

Gene: PLXNA3 (plexin A3; plus strand). Cytogenetic location: Xq28.
Variant type: single nucleotide variant.
Coding change: c.4420G>A on transcript NM_017514.5 (MANE Select); coding-DNA position 4420, G replaced by A.
Protein change: p.Asp1474Asn; replaces aspartic acid 1474 with asparagine.
Molecular consequence: missense variant.
Genome position (GRCh38, 1-based): chrX:154,468,955, G>A. VCF-style: chrX-154468955-G-A. GRCh37 (hg19) VCF-style: chrX-153697298-G-A.
Other names: c.4420G>A (NM_017514.3); short protein forms D1474N.
Identifiers: ClinVar variation 3353442 (VCV003353442.2).

ClinVar aggregate classification (germline): Uncertain significance. Review status: criteria provided, single submitter (1 of 4 stars). 2 submissions from 2 submitters: Uncertain significance (1). 1 of the submissions does not count toward it. Last evaluated 2024-09-25.

Conditions:
PLXNA3-related disorder. Also called: PLXNA3-related condition.

Submissions (2):

Ambry Genetics
Classification: Uncertain significance. Last evaluated: 2024-09-25. Review status: criteria provided, single submitter. Criteria: Ambry Variant Classification Scheme 2023. Collection method: clinical testing. Allele origin: germline.

PreventionGenetics, part of Exact Sciences
Classification: Uncertain significance for PLXNA3-related condition. Last evaluated: 2024-06-04. Review status: no assertion criteria provided. Collection method: clinical testing. Allele origin: germline. Not counted in ClinVar's aggregate classification.
Comment: The PLXNA3 c.4420G>A variant is predicted to result in the amino acid substitution p.Asp1474Asn. To our knowledge, this variant has not been reported in the literature or in a large population database, indicating this variant is rare. At this time, the clinical significance of this variant is uncertain due to the absence of conclusive functional and genetic evidence.